The following is an entry in ClinVar:

NM_005228.5(EGFR):c.3469T>C (p.Trp1157Arg)

Gene: EGFR (epidermal growth factor receptor; plus strand). Cytogenetic location: 7p11.2.
Variant type: single nucleotide variant.
Coding change: c.3469T>C on transcript NM_005228.5 (MANE Select); coding-DNA position 3469, T replaced by C.
Protein change: p.Trp1157Arg; replaces tryptophan 1157 with arginine.
Molecular consequence: missense variant.
Genome position (GRCh38, 1-based): chr7:55,205,453, T>C. VCF-style: chr7-55205453-T-C. GRCh37 (hg19) VCF-style: chr7-55273146-T-C.
Other names: c.3334T>C, p.Trp1112Arg (NM_001346899.2); c.3310T>C, p.Trp1104Arg (NM_001346900.2); c.2668T>C, p.Trp890Arg (NM_001346941.2); short protein forms W1157R, W1104R, W1112R, W890R.
Identifiers: ClinVar variation 4247358 (VCV004247358.1).

ClinVar aggregate classification (germline): Uncertain significance (1 of 4 stars; one submission).

Conditions:
Hereditary cancer-predisposing syndrome. Also called: Hereditary Cancer Syndrome; Hereditary neoplastic syndrome; Neoplastic Syndromes, Hereditary; Tumor predisposition. Identifiers: Orphanet 140162, MedGen C0027672, MeSH D009386, MONDO:0015356.

Submission:

Ambry Genetics
Classification: Uncertain significance for Hereditary cancer-predisposing syndrome. Last evaluated: 2025-08-24. Review status: criteria provided, single submitter. Criteria: Ambry Variant Classification Scheme 2023. Collection method: clinical testing. Allele origin: germline.
Comment: The p.W1157R variant (also known as c.3469T>C), located in coding exon 28 of the EGFR gene, results from a T to C substitution at nucleotide position 3469. The tryptophan at codon 1157 is replaced by arginine, an amino acid with dissimilar properties. This amino acid position is conserved. In addition, this alteration is predicted to be tolerated by in silico analysis. Based on the available evidence, the clinical significance of this variant remains unclear.